The following is an entry in ClinVar:

ClinVar aggregate classification (germline): Likely pathogenic (1 of 4 stars; one submission).

Allele frequency attached by ClinVar (database versions not stated): TOPMed below 0.00001; gnomAD exomes 0.00001.
gnomAD v4.1: 16 of 1,593,868 alleles (0.001%); highest among the groups gnomAD compares: African/African-American, 0.0015%; no homozygotes.

Submission:

Labcorp Genetics (formerly Invitae), Labcorp
Classification: Likely pathogenic. Last evaluated: 2022-08-15. Review status: criteria provided, single submitter. Criteria: Invitae Variant Classification Sherloc (09022015). Collection method: clinical testing. Allele origin: germline.
Comment: Algorithms developed to predict the effect of sequence changes on RNA splicing suggest that this variant may disrupt the consensus splice site. This variant has not been reported in the literature in individuals affected with TMEM126B-related conditions. This variant is present in population databases (rs774378991, gnomAD 0.0009%). This sequence change affects a donor splice site in intron 2 of the TMEM126B gene. It is expected to disrupt RNA splicing. Variants that disrupt the donor or acceptor splice site typically lead to a loss of protein function (PMID: 16199547), and loss-of-function variants in TMEM126B are known to be pathogenic (PMID: 27374774). In summary, the currently available evidence indicates that the variant is pathogenic, but additional data are needed to prove that conclusively. Therefore, this variant has been classified as Likely Pathogenic.

Literature cited by the submitters: PubMed 16199547; PubMed 27374774.

NM_018480.7(TMEM126B):c.203+2T>C

Gene: TMEM126B (transmembrane protein 126B; plus strand). Cytogenetic location: 11q14.1.
Variant type: single nucleotide variant.
Coding change: c.203+2T>C on transcript NM_018480.7 (MANE Select); the canonical splice donor site of the intron after coding-DNA position 203, T replaced by C.
Molecular consequence: splice donor variant. On other transcripts: intron variant (2).
Genome position (GRCh38, 1-based): chr11:85,631,810, T>C. VCF-style: chr11-85631810-T-C. GRCh37 (hg19) VCF-style: chr11-85342854-T-C.
Other names: c.143+2T>C (NM_001193537.3, NM_001350395.2); c.113+2T>C (NM_001256546.2, NM_001193538.3, NM_001350396.2); c.66-2276T>C (NM_001256547.2); c.82-2276T>C (NM_001350393.1); c.203+2T>C (NM_001350394.2).
Identifiers: ClinVar variation 2153373 (VCV002153373.4), dbSNP rs774378991, ClinGen allele CA6212401.